The following is an entry in ClinVar:

ClinVar aggregate classification (germline): Uncertain significance. Review status: criteria provided, multiple submitters, no conflicts (2 of 4 stars). 2 submissions from 2 submitters: Uncertain significance (2). Last evaluated 2022-09-27.

Conditions:
Inborn genetic diseases. Identifiers: MedGen C0950123, MeSH D030342.

Allele frequency attached by ClinVar (database versions not stated): gnomAD exomes 0.00004 and 0.00016; gnomAD 0.00007 and 0.00011; ESP Exome Variant Server 0.00008; TOPMed 0.00010; ExAC 0.00016; 1000 Genomes Project 30x 0.00031; 1000 Genomes Project 0.00040.
gnomAD v4.1: 84 of 1,526,662 alleles (0.0055%); highest among the groups gnomAD compares: South Asian, 0.041%; no homozygotes.

Submissions (2):

Labcorp Genetics (formerly Invitae), Labcorp
Classification: Uncertain significance. Last evaluated: 2022-09-27. Review status: criteria provided, single submitter. Criteria: Invitae Variant Classification Sherloc (09022015). Collection method: clinical testing. Allele origin: germline.
Comment: This sequence change replaces valine, which is neutral and non-polar, with isoleucine, which is neutral and non-polar, at codon 384 of the CHUK protein (p.Val384Ile). This variant is present in population databases (rs151061868, gnomAD 0.09%). This variant has not been reported in the literature in individuals affected with CHUK-related conditions. ClinVar contains an entry for this variant (Variation ID: 1362828). Algorithms developed to predict the effect of missense changes on protein structure and function are either unavailable or do not agree on the potential impact of this missense change (SIFT: "Not Available"; PolyPhen-2: "Probably Damaging"; Align-GVGD: "Not Available"). In summary, the available evidence is currently insufficient to determine the role of this variant in disease. Therefore, it has been classified as a Variant of Uncertain Significance.

Ambry Genetics
Classification: Uncertain significance for Inborn genetic diseases. Last evaluated: 2021-10-12. Review status: criteria provided, single submitter. Criteria: Ambry Variant Classification Scheme 2023. Collection method: clinical testing. Allele origin: germline.

NM_001278.5(CHUK):c.1150G>A (p.Val384Ile)

Gene: CHUK (component of inhibitor of nuclear factor kappa B kinase complex; minus strand). Cytogenetic location: 10q24.31.
Variant type: single nucleotide variant.
Coding change: c.1150G>A on transcript NM_001278.5 (MANE Select); coding-DNA position 1150, G replaced by A.
Protein change: p.Val384Ile; replaces valine 384 with isoleucine.
Molecular consequence: missense variant.
Genome position (GRCh38, 1-based): chr10:100,207,311, C>T on the plus strand (G>A on the coding strand, the complement: CHUK is on the minus strand). VCF-style: chr10-100207311-C-T. GRCh37 (hg19) VCF-style: chr10-101967068-C-T.
Other names: c.1150G>A, p.Val384Ile (NM_001320928.2); c.1150G>A (NM_001278.3); short protein forms V384I.
Identifiers: ClinVar variation 1362828 (VCV001362828.6), dbSNP rs151061868, ClinGen allele CA5646510.